The following is an entry in ClinVar:

NM_004448.4(ERBB2):c.2317G>A (p.Val773Met)

Gene: ERBB2 (erb-b2 receptor tyrosine kinase 2; plus strand). Cytogenetic location: 17q12.
Variant type: single nucleotide variant.
Coding change: c.2317G>A on transcript NM_004448.4 (MANE Select); coding-DNA position 2317, G replaced by A.
Protein change: p.Val773Met; replaces valine 773 with methionine.
Molecular consequence: missense variant. On other transcripts: non-coding transcript variant (1), intron variant (2).
Genome position (GRCh38, 1-based): chr17:39,724,735, G>A. VCF-style: chr17-39724735-G-A. GRCh37 (hg19) VCF-style: chr17-37880988-G-A.
Other names: c.2227G>A, p.Val743Met (NM_001005862.3, NM_001382782.1, NM_001382783.1); c.2272G>A, p.Val758Met (NM_001289936.2); c.2317G>A, p.Val773Met (NM_001289937.2, NM_001382796.1, NM_001382798.1); c.2434G>A, p.Val812Met (NM_001382784.1); c.2419G>A, p.Val807Met (NM_001382785.1); c.2398G>A, p.Val800Met (NM_001382786.1); c.2392G>A, p.Val798Met (NM_001382787.1); c.2347G>A, p.Val783Met (NM_001382788.1); and 13 more; short protein forms V773M, V743M, V758M, V427M, V497M, V687M, V713M, V740M.
Identifiers: ClinVar variation 838677 (VCV000838677.7), dbSNP rs772054394, ClinGen allele CA8534278.

ClinVar aggregate classification (germline): Uncertain significance (1 of 4 stars; one submission).

Allele frequency attached by ClinVar (database versions not stated): gnomAD exomes 0.00004 and 0.00016; gnomAD 0.00006 and 0.00007; TOPMed 0.00009; ExAC 0.00014.
gnomAD v4.1: 67 of 1,614,014 alleles (0.0042%); highest among the groups gnomAD compares: Admixed American, 0.072%; no homozygotes.

Submission:

Labcorp Genetics (formerly Invitae), Labcorp
Classification: Uncertain significance. Last evaluated: 2025-06-29. Review status: criteria provided, single submitter. Criteria: Invitae Variant Classification Sherloc (09022015). Collection method: clinical testing. Allele origin: germline.
Comment: This sequence change replaces valine, which is neutral and non-polar, with methionine, which is neutral and non-polar, at codon 773 of the ERBB2 protein (p.Val773Met). This variant is present in population databases (rs772054394, gnomAD 0.1%), and has an allele count higher than expected for a pathogenic variant. This missense change has been observed in individual(s) with renal cell carcinoma (PMID: 29420467). ClinVar contains an entry for this variant (Variation ID: 838677). Invitae Evidence Modeling of protein sequence and biophysical properties (such as structural, functional, and spatial information, amino acid conservation, physicochemical variation, residue mobility, and thermodynamic stability) indicates that this missense variant is not expected to disrupt ERBB2 protein function with a negative predictive value of 80%. In summary, the available evidence is currently insufficient to determine the role of this variant in disease. Therefore, it has been classified as a Variant of Uncertain Significance.

Literature cited by the submitters: PubMed 29420467.